The following is an entry in ClinVar:

NM_006254.4(PRKCD):c.405C>T (p.Asp135=)

Gene: PRKCD (protein kinase C delta; plus strand). Cytogenetic location: 3p21.1.
Variant type: single nucleotide variant.
Coding change: c.405C>T on transcript NM_006254.4 (MANE Select); coding-DNA position 405, C replaced by T.
Protein change: p.Asp135=; no amino-acid change (aspartic acid 135 retained).
Molecular consequence: synonymous variant.
Genome position (GRCh38, 1-based): chr3:53,181,472, C>T. VCF-style: chr3-53181472-C-T. GRCh37 (hg19) VCF-style: chr3-53215488-C-T.
Other names: c.405C>T, p.Asp135= (NM_001316327.2, NM_001354679.2, NM_001354680.2 and 1 more transcripts); c.462C>T, p.Asp154= (NM_001354676.2); c.453C>T, p.Asp151= (NM_001354678.2).
Identifiers: ClinVar variation 1127526 (VCV001127526.21), dbSNP rs200462015, ClinGen allele CA2451791.

ClinVar aggregate classification (germline): Likely benign. Review status: criteria provided, multiple submitters, no conflicts (2 of 4 stars). 3 submissions from 3 submitters: Likely benign (3). Last evaluated 2025-11-12.

Conditions:
Autoimmune lymphoproliferative syndrome, type III caused by mutation in PRKCD. Identifiers: Orphanet 3261, Orphanet 664711, MedGen C3809928, MONDO:8000024, OMIM 615559.

Allele frequency attached by ClinVar (database versions not stated): gnomAD 0.00003 and 0.00006; gnomAD exomes 0.00004 and 0.00007; TOPMed 0.00005; ExAC 0.00006; ESP Exome Variant Server 0.00015; 1000 Genomes Project 30x 0.00031; 1000 Genomes Project 0.00040.
gnomAD v4.1: 74 of 1,614,174 alleles (0.0046%); highest among the groups gnomAD compares: East Asian, 0.02%; no homozygotes.

Submissions (3):

Labcorp Genetics (formerly Invitae), Labcorp
Classification: Likely benign for Autoimmune lymphoproliferative syndrome, type III caused by mutation in PRKCD. Last evaluated: 2025-11-12. Review status: criteria provided, single submitter. Criteria: Invitae Variant Classification Sherloc (09022015). Collection method: clinical testing. Allele origin: germline.

CeGaT Center for Human Genetics Tuebingen
Classification: Likely benign. Last evaluated: 2024-12-01. Review status: criteria provided, single submitter. Criteria: CeGaT Center For Human Genetics Tuebingen Variant Classification Criteria Version 2. Collection method: clinical testing. Allele origin: germline. Affected: yes. Observed: 1 variant allele.
Comment: PRKCD: BP4, BP7

Breakthrough Genomics
Classification: Likely benign. Review status: criteria provided, single submitter. Criteria: ACMG Guidelines, 2015. Collection method: not provided. Allele origin: germline. Inheritance: Autosomal recessive inheritance. Affected: yes.